The following is an entry in ClinVar:

NM_015937.6(PIGT):c.12T>C (p.Ala4=)

Gene: PIGT (phosphatidylinositol glycan anchor biosynthesis class T; plus strand). Cytogenetic location: 20q13.12.
Variant type: single nucleotide variant.
Coding change: c.12T>C on transcript NM_015937.6 (MANE Select); coding-DNA position 12, T replaced by C.
Protein change: p.Ala4=; no amino-acid change (alanine 4 retained).
Molecular consequence: synonymous variant. On other transcripts: non-coding transcript variant (5).
Genome position (GRCh38, 1-based): chr20:45,416,168, T>C. VCF-style: chr20-45416168-T-C. GRCh37 (hg19) VCF-style: chr20-44044808-T-C.
Other names: c.12T>C, p.Ala4= (NM_001184728.3, NM_001184729.3, NM_001184730.3).
Identifiers: ClinVar variation 741217 (VCV000741217.14), dbSNP rs371353348, ClinGen allele CA9877748.
Genomic context (GRCh38, chr20:45,416,168, plus strand): 5'-GCTTTTCATGGGGCCGAGCGCCGCTGGGTAGGCGGAAGTAGCCGCAGGCATGGCGGCGGC[T>C]ATGCCGCTTGCTCTGCTCGTCCTGTTGCTCCTGGGGCCCGGCGGCTGGTGCCTTGCAGAA-3'
Protein context (NP_057021.2, residues 1-14): MAA[Ala4=]MPLALLVLLL

ClinVar aggregate classification (germline): Benign/Likely benign. Review status: criteria provided, multiple submitters, no conflicts (2 of 4 stars). 4 submissions from 4 submitters: Benign (1); Likely benign (2). 1 of the submissions does not count toward it. Last evaluated 2025-09-19.

Conditions:
PIGT-related disorder.
Multiple congenital anomalies-hypotonia-seizures syndrome 3 (MCAHS3). Also called: GLYCOSYLPHOSPHATIDYLINOSITOL BIOSYNTHESIS DEFECT 7. Identifiers: Orphanet 369837, MedGen C3809356, MONDO:0014165, OMIM 615398.

Allele frequency attached by ClinVar (database versions not stated): gnomAD exomes 0.00032; ESP Exome Variant Server 0.00080; ExAC 0.00101; TOPMed 0.00156; 1000 Genomes Project 0.00160; gnomAD 0.00161 and 0.00172; 1000 Genomes Project 30x 0.00203.
gnomAD v4.1: 456 of 1,568,838 alleles (0.029%); highest among the groups gnomAD compares: African/African-American, 0.53%; 6 homozygotes.

Submissions (4):

Labcorp Genetics (formerly Invitae), Labcorp
Classification: Benign for Multiple congenital anomalies-hypotonia-seizures syndrome 3. Last evaluated: 2025-09-19. Review status: criteria provided, single submitter. Criteria: Invitae Variant Classification Sherloc (09022015). Collection method: clinical testing. Allele origin: germline.

Blueprint Genetics
Classification: Likely benign. Last evaluated: 2024-06-25. Review status: criteria provided, single submitter. Criteria: ACMG Guidelines, 2015. Collection method: clinical testing. Allele origin: germline.

GeneDx
Classification: Likely benign. Last evaluated: 2021-06-04. Review status: criteria provided, single submitter. Criteria: GeneDx Variant Classification Process June 2021. Collection method: clinical testing. Allele origin: germline. Affected: yes.

PreventionGenetics, part of Exact Sciences
Classification: Likely benign for PIGT-related condition. Last evaluated: 2019-09-17. Review status: no assertion criteria provided. Collection method: clinical testing. Allele origin: germline. Not counted in ClinVar's aggregate classification.
Comment: This variant is classified as likely benign based on ACMG/AMP sequence variant interpretation guidelines (Richards et al. 2015 PMID: 25741868, with internal and published modifications).